The following is an entry in ClinVar:

ClinVar aggregate classification (germline): Uncertain significance. Review status: criteria provided, multiple submitters, no conflicts (2 of 4 stars). 3 submissions from 3 submitters: Uncertain significance (3). Last evaluated 2025-04-20.

Conditions:
Glanzmann thrombasthenia. Also called: THROMBASTHENIA OF GLANZMANN AND NAEGELI; Thrombasthenia; PLATELET GLYCOPROTEIN IIb-IIIa DEFICIENCY; Glanzmann's thrombasthenia. Identifiers: Orphanet 849, MedGen C0040015, MONDO:0100326.
Inborn genetic diseases. Identifiers: MedGen C0950123, MeSH D030342.

Submissions (3):

Labcorp Genetics (formerly Invitae), Labcorp
Classification: Uncertain significance for Glanzmann thrombasthenia. Last evaluated: 2025-04-20. Review status: criteria provided, single submitter. Criteria: Invitae Variant Classification Sherloc (09022015). Collection method: clinical testing. Allele origin: germline.
Comment: This sequence change replaces valine, which is neutral and non-polar, with methionine, which is neutral and non-polar, at codon 738 of the ITGA2B protein (p.Val738Met). The frequency data for this variant in the population databases is considered unreliable, as metrics indicate poor data quality at this position in the gnomAD database. This variant has not been reported in the literature in individuals affected with ITGA2B-related conditions. ClinVar contains an entry for this variant (Variation ID: 3716257). Invitae Evidence Modeling of protein sequence and biophysical properties (such as structural, functional, and spatial information, amino acid conservation, physicochemical variation, residue mobility, and thermodynamic stability) has been performed for this missense variant. However, the output from this modeling did not meet the statistical confidence thresholds required to predict the impact of this variant on ITGA2B protein function. In summary, the available evidence is currently insufficient to determine the role of this variant in disease. Therefore, it has been classified as a Variant of Uncertain Significance.

Ambry Genetics
Classification: Uncertain significance for Inborn genetic diseases. Last evaluated: 2025-03-16. Review status: criteria provided, single submitter. Criteria: Ambry Variant Classification Scheme 2023. Collection method: clinical testing. Allele origin: germline.

Blueprint Genetics
Classification: Uncertain significance. Last evaluated: 2024-09-03. Review status: criteria provided, single submitter. Criteria: ACMG Guidelines, 2015. Collection method: clinical testing. Allele origin: germline.

NM_000419.5(ITGA2B):c.2212G>A (p.Val738Met)

Gene: ITGA2B (integrin subunit alpha 2b; minus strand). Cytogenetic location: 17q21.31.
Variant type: single nucleotide variant.
Coding change: c.2212G>A on transcript NM_000419.5 (MANE Select); coding-DNA position 2212, G replaced by A.
Protein change: p.Val738Met; replaces valine 738 with methionine.
Molecular consequence: missense variant.
Genome position (GRCh38, 1-based): chr17:44,377,064, C>T on the plus strand (G>A on the coding strand, the complement: ITGA2B is on the minus strand). VCF-style: chr17-44377064-C-T. GRCh37 (hg19) VCF-style: chr17-42454432-C-T.
Other names: short protein forms V738M.
Identifiers: ClinVar variation 3716257 (VCV003716257.4).